The following is an entry in ClinVar:

NM_018263.6(ASXL2):c.2025_2045del (p.Ala678_Ala684del)

Gene: ASXL2 (ASXL transcriptional regulator 2; minus strand). Cytogenetic location: 2p23.3.
Variant type: Deletion.
Coding change: c.2025_2045del on transcript NM_018263.6 (MANE Select); coding-DNA positions 2025 to 2045, 21 bases deleted (CGCTGCCGCCGCAGCTGCTGC).
Protein change: p.Ala678_Ala684del.
Molecular consequence: inframe deletion.
Genome position (GRCh38, 1-based): chr2:25,744,292-25,744,312, GCAGCAGCTGCGGCGGCAGCG deleted on the plus strand (CGCTGCCGCCGCAGCTGCTGC on the coding strand, the reverse complement: ASXL2 is on the minus strand); deleting any 21 consecutive bases within chr2:25,744,292-25,744,317 gives the same sequence; the c. name uses the placement nearest the transcript's 3' end. VCF-style (leftmost placement, unchanged base first): chr2-25744291-TGCAGCAGCTGCGGCGGCAGCG-T. GRCh37 (hg19) VCF-style: chr2-25967160-TGCAGCAGCTGCGGCGGCAGCG-T.
Other names: c.1851_1871del, p.Ala620_Ala626del (NM_001369346.1); c.1245_1265del, p.Ala418_Ala424del (NM_001369347.1).
Identifiers: ClinVar variation 2421642 (VCV002421642.6), dbSNP rs1157029943, ClinGen allele CA2576695363.

ClinVar aggregate classification (germline): Uncertain significance (1 of 4 stars; one submission).

Submission:

Labcorp Genetics (formerly Invitae), Labcorp
Classification: Uncertain significance. Last evaluated: 2025-08-11. Review status: criteria provided, single submitter. Criteria: Invitae Variant Classification Sherloc (09022015). Collection method: clinical testing. Allele origin: germline.
Comment: This variant, c.2025_2045del, results in the deletion of 7 amino acid(s) of the ASXL2 protein (p.Ala678_Ala684del), but otherwise preserves the integrity of the reading frame. This variant is not present in population databases (gnomAD no frequency). This variant has not been reported in the literature in individuals affected with ASXL2-related conditions. ClinVar contains an entry for this variant (Variation ID: 2421642). Experimental studies and prediction algorithms are not available or were not evaluated, and the functional significance of this variant is currently unknown. In summary, the available evidence is currently insufficient to determine the role of this variant in disease. Therefore, it has been classified as a Variant of Uncertain Significance.